The following is an entry in ClinVar:

ClinVar aggregate classification (germline): Uncertain significance (1 of 4 stars; one submission).

Conditions:
Hypertrophic cardiomyopathy 26. Also called: Cardiomyopathy, familial hypertrophic, 26. Identifiers: Orphanet 75249, MedGen C4310749, MONDO:0014883, OMIM 617047.
Myofibrillar myopathy 5. Also called: FILAMINOPATHY, AUTOSOMAL DOMINANT; Filaminopathy (type). Identifiers: Orphanet 171445, MedGen C1836050, MONDO:0012289, OMIM 609524.
Distal myopathy with posterior leg and anterior hand involvement. Also called: WILLIAMS DISTAL MYOPATHY. Identifiers: Orphanet 63273, MedGen C3279722, MONDO:0013550, OMIM 614065.

Submission:

Labcorp Genetics (formerly Invitae), Labcorp
Classification: Uncertain significance for Distal myopathy with posterior leg and anterior hand involvement; Myofibrillar myopathy 5; Hypertrophic cardiomyopathy 26. Last evaluated: 2020-01-15. Review status: criteria provided, single submitter. Criteria: Invitae Variant Classification Sherloc (09022015). Collection method: clinical testing. Allele origin: germline.
Comment: This sequence change replaces lysine with threonine at codon 1401 of the FLNC protein (p.Lys1401Thr). The lysine residue is highly conserved and there is a moderate physicochemical difference between lysine and threonine. This variant is not present in population databases (ExAC no frequency). This variant has not been reported in the literature in individuals with FLNC-related conditions. Algorithms developed to predict the effect of missense changes on protein structure and function are either unavailable or do not agree on the potential impact of this missense change (SIFT: "Tolerated"; PolyPhen-2: "Probably Damaging"; Align-GVGD: "Class C0"). In summary, the available evidence is currently insufficient to determine the role of this variant in disease. Therefore, it has been classified as a Variant of Uncertain Significance.

NM_001458.5(FLNC):c.4202A>C (p.Lys1401Thr)

Gene: FLNC (filamin C; plus strand). Cytogenetic location: 7q32.1.
Variant type: single nucleotide variant.
Coding change: c.4202A>C on transcript NM_001458.5 (MANE Select); coding-DNA position 4202, A replaced by C.
Protein change: p.Lys1401Thr; replaces lysine 1401 with threonine.
Molecular consequence: missense variant.
Genome position (GRCh38, 1-based): chr7:128,846,819, A>C. VCF-style: chr7-128846819-A-C. GRCh37 (hg19) VCF-style: chr7-128486873-A-C.
Other names: c.4202A>C, p.Lys1401Thr (NM_001127487.2); short protein forms K1401T.
Identifiers: ClinVar variation 1019482 (VCV001019482.10), dbSNP rs1808588600, ClinGen allele CA369200630.